The following is an entry in ClinVar:

NM_002691.4(POLD1):c.2335G>A (p.Ala779Thr)

Gene: POLD1 (DNA polymerase delta 1, catalytic subunit; plus strand). Cytogenetic location: 19q13.33.
Variant type: single nucleotide variant.
Coding change: c.2335G>A on transcript NM_002691.4 (MANE Select); coding-DNA position 2335, G replaced by A.
Protein change: p.Ala779Thr; replaces alanine 779 with threonine.
Molecular consequence: missense variant. On other transcripts: non-coding transcript variant (1).
Genome position (GRCh38, 1-based): chr19:50,413,826, G>A. VCF-style: chr19-50413826-G-A. GRCh37 (hg19) VCF-style: chr19-50917083-G-A.
Other names: c.2335G>A, p.Ala779Thr (NM_001256849.1); c.2413G>A, p.Ala805Thr (NM_001308632.1); short protein forms A805T, A779T.
Identifiers: ClinVar variation 650827 (VCV000650827.18), dbSNP rs747996611, ClinGen allele CA9596487.
Genomic context (GRCh38, chr19:50,413,826, plus strand): 5'-GTCATGTGCCGATTCGGCGTGTCCTCGGTGGCTGAGGCGATGGCCCTGGGGCGGGAGGCC[G>A]CGGACTGGGTGTCAGGTCACTTCCCGTCGCCCATCCGGCTGGAGTTTGAGAAGGTGCGTG-3'
Protein context (NP_002682.2, residues 769-789): AEAMALGREA[Ala779Thr]DWVSGHFPSP

ClinVar aggregate classification (germline): Uncertain significance. Review status: criteria provided, multiple submitters, no conflicts (2 of 4 stars). 4 submissions from 4 submitters: Uncertain significance (4). Last evaluated 2025-12-12.

Conditions:
POLD1-related polyposis and colorectal cancer syndrome (CRCS10). Also called: Colorectal cancer, susceptibility to, 10; Colorectal cancer 10; COLORECTAL CANCER, SUSCEPTIBILITY TO, ON CHROMOSOME 19q. Identifiers: Orphanet 220460, MedGen C2675481, MONDO:0012953, OMIM 612591.
Hereditary cancer-predisposing syndrome. Also called: Hereditary neoplastic syndrome; Tumor predisposition; Hereditary Cancer Syndrome; Neoplastic Syndromes, Hereditary. Identifiers: Orphanet 140162, MedGen C0027672, MeSH D009386, MONDO:0015356.

Allele frequency attached by ClinVar (database versions not stated): gnomAD exomes below 0.00001 and 0.00001; ExAC 0.00001; gnomAD 0.00001.
gnomAD v4.1: 14 of 1,612,030 alleles (0.00087%); highest among the groups gnomAD compares: Non-Finnish European, 0.0011%; no homozygotes.

Submissions (4):

Ambry Genetics
Classification: Uncertain significance for Hereditary cancer-predisposing syndrome. Last evaluated: 2025-12-12. Review status: criteria provided, single submitter. Criteria: Ambry Variant Classification Scheme 2023. Collection method: clinical testing. Allele origin: germline.
Comment: The p.A779T variant (also known as c.2335G>A), located in coding exon 18 of the POLD1 gene, results from a G to A substitution at nucleotide position 2335. The alanine at codon 779 is replaced by threonine, an amino acid with similar properties. This amino acid position is conserved. In addition, the in silico prediction for this alteration is inconclusive. Since supporting evidence is limited at this time, the clinical significance of this alteration remains unclear.

Dasa
Classification: Uncertain significance for POLD1-related polyposis and colorectal cancer syndrome. Last evaluated: 2025-11-21. Review status: criteria provided, single submitter. Criteria: DASA Assertion Criteria. Collection method: clinical testing. Allele origin: germline.
Comment: NM_002691.4(POLD1):c.2335G>A (p.Ala779Thr) is a missense variant that results in the substitution of alanine with threonine. This variant is rare in population databases. The currently available literature and clinical evidence are not sufficient to establish a definitive association between this variant and the reported condition. Therefore, this variant is classified as a variant of uncertain significance.

Labcorp Genetics (formerly Invitae), Labcorp
Classification: Uncertain significance for POLD1-related polyposis and colorectal cancer syndrome. Last evaluated: 2025-11-09. Review status: criteria provided, single submitter. Criteria: Invitae Variant Classification Sherloc (09022015). Collection method: clinical testing. Allele origin: germline.
Comment: This sequence change replaces alanine, which is neutral and non-polar, with threonine, which is neutral and polar, at codon 779 of the POLD1 protein (p.Ala779Thr). The frequency data for this variant in the population databases is considered unreliable, as metrics indicate poor data quality at this position in the gnomAD database. This variant has not been reported in the literature in individuals affected with POLD1-related conditions. ClinVar contains an entry for this variant (Variation ID: 650827). Invitae Evidence Modeling of protein sequence and biophysical properties (such as structural, functional, and spatial information, amino acid conservation, physicochemical variation, residue mobility, and thermodynamic stability) indicates that this missense variant is expected to disrupt POLD1 protein function with a positive predictive value of 80%. In summary, the available evidence is currently insufficient to determine the role of this variant in disease. Therefore, it has been classified as a Variant of Uncertain Significance.

GeneDx
Classification: Uncertain significance. Last evaluated: 2022-12-29. Review status: criteria provided, single submitter. Criteria: GeneDx Variant Classification Process June 2021. Collection method: clinical testing. Allele origin: germline. Affected: yes.
Comment: Not observed at significant frequency in large population cohorts (gnomAD); In silico analysis supports that this missense variant has a deleterious effect on protein structure/function; Has not been previously published as pathogenic or benign to our knowledge; This variant is associated with the following publications: (PMID: 20951805)